The following is an entry in ClinVar:

ClinVar aggregate classification (germline): Uncertain significance. Review status: criteria provided, multiple submitters, no conflicts (2 of 4 stars). 2 submissions from 2 submitters: Uncertain significance (2). Last evaluated 2024-10-31.

Conditions:
Multiple endocrine neoplasia, type 2 (MEN2). Identifiers: Orphanet 653, MedGen C4048306, MONDO:0019003. Disease mechanism: gain of function.
Hereditary cancer-predisposing syndrome. Also called: Tumor predisposition; Hereditary neoplastic syndrome; Neoplastic Syndromes, Hereditary; Hereditary Cancer Syndrome. Identifiers: Orphanet 140162, MedGen C0027672, MeSH D009386, MONDO:0015356.

Submissions (2):

Ambry Genetics
Classification: Uncertain significance for Hereditary cancer-predisposing syndrome. Last evaluated: 2024-10-31. Review status: criteria provided, single submitter. Criteria: Ambry Variant Classification Scheme 2023. Collection method: clinical testing. Allele origin: germline.
Comment: The p.A228D variant (also known as c.683C>A), located in coding exon 4 of the RET gene, results from a C to A substitution at nucleotide position 683. The alanine at codon 228 is replaced by aspartic acid, an amino acid with dissimilar properties. This amino acid position is conserved. In addition, this alteration is predicted to be tolerated by in silico analysis. Based on the available evidence, the clinical significance of this variant remains unclear.

Labcorp Genetics (formerly Invitae), Labcorp
Classification: Uncertain significance for Multiple endocrine neoplasia, type 2. Last evaluated: 2024-04-16. Review status: criteria provided, single submitter. Criteria: Invitae Variant Classification Sherloc (09022015). Collection method: clinical testing. Allele origin: germline.
Comment: This sequence change replaces alanine, which is neutral and non-polar, with aspartic acid, which is acidic and polar, at codon 228 of the RET protein (p.Ala228Asp). This variant is not present in population databases (gnomAD no frequency). This variant has not been reported in the literature in individuals affected with RET-related conditions. ClinVar contains an entry for this variant (Variation ID: 1424882). An algorithm developed to predict the effect of missense changes on protein structure and function (PolyPhen-2) suggests that this variant is likely to be tolerated. In summary, the available evidence is currently insufficient to determine the role of this variant in disease. Therefore, it has been classified as a Variant of Uncertain Significance.

NM_020975.6(RET):c.683C>A (p.Ala228Asp)

Gene: RET (ret proto-oncogene; plus strand). Cytogenetic location: 10q11.21.
Variant type: single nucleotide variant.
Coding change: c.683C>A on transcript NM_020975.6 (MANE Select); coding-DNA position 683, C replaced by A.
Protein change: p.Ala228Asp; replaces alanine 228 with aspartic acid.
Molecular consequence: missense variant.
Genome position (GRCh38, 1-based): chr10:43,105,009, C>A. VCF-style: chr10-43105009-C-A. GRCh37 (hg19) VCF-style: chr10-43600457-C-A.
Other names: c.683C>A, p.Ala228Asp (NM_000323.2, NM_001406743.1, NM_001406744.1 and 8 more transcripts); c.-80C>A (NM_001355216.2); c.554C>A, p.Ala185Asp (NM_001406761.1, NM_001406762.1, NM_001406764.1 and 2 more transcripts); c.395C>A, p.Ala132Asp (NM_001406766.1, NM_001406770.1, NM_001406767.1); short protein forms A228D, A132D, A185D.
Identifiers: ClinVar variation 1424882 (VCV001424882.10), dbSNP rs2132704146, ClinGen allele CA376544526.